The following is an entry in ClinVar:

NM_000179.3(MSH6):c.2270C>A (p.Thr757Asn)

Gene: MSH6 (mutS homolog 6; plus strand). Cytogenetic location: 2p16.3.
Variant type: single nucleotide variant.
Coding change: c.2270C>A on transcript NM_000179.3 (MANE Select); coding-DNA position 2270, C replaced by A.
Protein change: p.Thr757Asn; replaces threonine 757 with asparagine.
Molecular consequence: missense variant.
Genome position (GRCh38, 1-based): chr2:47,800,253, C>A. VCF-style: chr2-47800253-C-A. GRCh37 (hg19) VCF-style: chr2-48027392-C-A.
Other names: c.1880C>A, p.Thr627Asn (NM_001281492.2); c.1364C>A, p.Thr455Asn (NM_001281493.2, NM_001281494.2); short protein forms T757N, T627N, T455N.
Identifiers: ClinVar variation 483807 (VCV000483807.9), dbSNP rs1553413648, ClinGen allele CA346752822.
Genomic context (GRCh38, chr2:47,800,253, plus strand): 5'-CAGTGACATTAAACAACTTGGAGATTTTTCTGAATGGAACAAATGGTTCTACTGAAGGAA[C>A]CCTACTAGAGAGGGTTGATACTTGCCATACTCCTTTTGGTAAGCGGCTCCTAAAGCAATG-3'
Protein context (NP_000170.1, residues 747-767): LNGTNGSTEG[Thr757Asn]LLERVDTCHT

ClinVar aggregate classification (germline): Uncertain significance. Review status: criteria provided, multiple submitters, no conflicts (2 of 4 stars). 2 submissions from 2 submitters: Uncertain significance (2). Last evaluated 2024-04-13.

Conditions:
Hereditary nonpolyposis colorectal neoplasms. Identifiers: MedGen C0009405, MeSH D003123.
Hereditary cancer-predisposing syndrome. Also called: Neoplastic Syndromes, Hereditary; Tumor predisposition; Hereditary Cancer Syndrome; Hereditary neoplastic syndrome. Identifiers: Orphanet 140162, MedGen C0027672, MeSH D009386, MONDO:0015356.

gnomAD v4.1: 1 of 1,614,134 alleles (0.000062%); highest among the groups gnomAD compares: Admixed American, 0.0017%; no homozygotes.

Submissions (2):

Labcorp Genetics (formerly Invitae), Labcorp
Classification: Uncertain significance for Hereditary nonpolyposis colorectal neoplasms. Last evaluated: 2024-04-13. Review status: criteria provided, single submitter. Criteria: Invitae Variant Classification Sherloc (09022015). Collection method: clinical testing. Allele origin: germline.
Comment: This sequence change replaces threonine, which is neutral and polar, with asparagine, which is neutral and polar, at codon 757 of the MSH6 protein (p.Thr757Asn). This variant is not present in population databases (gnomAD no frequency). This missense change has been observed in individual(s) with clinical suspicion of Lynch syndrome (PMID: 31391288). ClinVar contains an entry for this variant (Variation ID: 483807). Advanced modeling of protein sequence and biophysical properties (such as structural, functional, and spatial information, amino acid conservation, physicochemical variation, residue mobility, and thermodynamic stability) has been performed at Invitae for this missense variant, however the output from this modeling did not meet the statistical confidence thresholds required to predict the impact of this variant on MSH6 protein function. In summary, the available evidence is currently insufficient to determine the role of this variant in disease. Therefore, it has been classified as a Variant of Uncertain Significance.

Ambry Genetics
Classification: Uncertain significance for Hereditary cancer-predisposing syndrome. Last evaluated: 2023-07-14. Review status: criteria provided, single submitter. Criteria: Ambry Variant Classification Scheme 2023. Collection method: clinical testing. Allele origin: germline.
Comment: The p.T757N variant (also known as c.2270C>A), located in coding exon 4 of the MSH6 gene, results from a C to A substitution at nucleotide position 2270. The threonine at codon 757 is replaced by asparagine, an amino acid with similar properties. This amino acid position is highly conserved in available vertebrate species. In addition, the in silico prediction for this alteration is inconclusive. Since supporting evidence is limited at this time, the clinical significance of this alteration remains unclear.

Literature cited by the submitters: PubMed 31391288 (cited by Labcorp Genetics (formerly Invitae), Labcorp).